The following is an entry in ClinVar:

NM_001042492.3(NF1):c.1646T>C (p.Leu549Pro)

Gene: NF1 (neurofibromin 1; plus strand). Cytogenetic location: 17q11.2.
Variant type: single nucleotide variant.
Coding change: c.1646T>C on transcript NM_001042492.3 (MANE Select); coding-DNA position 1646, T replaced by C.
Protein change: p.Leu549Pro; replaces leucine 549 with proline.
Molecular consequence: missense variant.
Genome position (GRCh38, 1-based): chr17:31,221,854, T>C. VCF-style: chr17-31221854-T-C. GRCh37 (hg19) VCF-style: chr17-29548872-T-C.
Other names: c.1646T>C, p.Leu549Pro (NM_000267.4, NM_001128147.3); short protein forms L549P.
Identifiers: ClinVar variation 68303 (VCV000068303.15), dbSNP rs199474758, ClinGen allele CA219401.

ClinVar aggregate classification (germline): Pathogenic/Likely pathogenic. Review status: criteria provided, multiple submitters, no conflicts (2 of 4 stars). 7 submissions from 7 submitters: Pathogenic (3); Likely pathogenic (3). 1 of the submissions does not count toward it. Last evaluated 2026-01-11.

Conditions:
Neurofibromatosis, type 1 (NF1). Also called: NEUROFIBROMATOSIS, TYPE I, SOMATIC; Neurofibromatosis, type I; VON RECKLINGHAUSEN DISEASE; Peripheral type neurofibromatosis. Identifiers: Orphanet 636, MedGen C0027831, MONDO:0018975, OMIM 162200. Disease mechanism: loss of function.
NF1-related disorder. Also called: NF1-related condition. Identifiers: MedGen CN379171.

Submissions (7):

PreventionGenetics, part of Exact Sciences
Classification: Pathogenic for NF1-related condition. Last evaluated: 2026-01-11. Review status: criteria provided, single submitter. Criteria: ACMG Guidelines, 2015. Collection method: clinical testing. Allele origin: germline.
Comment: The NF1 c.1646T>C variant is predicted to result in the amino acid substitution p.Leu549Pro. This variant has been reported in the literature and the NF1 LOVD database in individuals with clinical features consistent with neurofibromatosis type 1.  In at least one report, this variant has occurred de novo (Fahsold et al. 2000. PubMed ID: 10712197; Ece Solmaz et al. 2021. PubMed ID: 34418705). This variant is classified as likely pathogenic or pathogenic in ClinVar (Variation ID: 68303) and has not been reported in a large population database (gnomAD), indicating this variant is rare. This variant is interpreted as pathogenic.

GeneDx
Classification: Likely pathogenic. Last evaluated: 2025-06-13. Review status: criteria provided, single submitter. Criteria: GeneDx Variant Classification Process June 2021. Collection method: clinical testing. Allele origin: germline. Affected: yes.
Comment: Not observed at significant frequency in large population cohorts (gnomAD); In silico analysis supports that this missense variant has a deleterious effect on protein structure/function; This variant is associated with the following publications: (PMID: 10712197, 24803665, 23447461, 24789688, Bahsi2020[article], 34418705, 21520333, 31201679, 25486365, Plazzer2024[CaseReport])

Labcorp Genetics (formerly Invitae), Labcorp
Classification: Pathogenic for Neurofibromatosis, type 1. Last evaluated: 2024-09-18. Review status: criteria provided, single submitter. Criteria: Invitae Variant Classification Sherloc (09022015). Collection method: clinical testing. Allele origin: germline.
Comment: This sequence change replaces leucine, which is neutral and non-polar, with proline, which is neutral and non-polar, at codon 549 of the NF1 protein (p.Leu549Pro). This variant is not present in population databases (gnomAD no frequency). This missense change has been observed in individual(s) with neurofibromatosis type 1 (NF1) and NF1 (PMID: 10712197, 21520333; internal data). In at least one individual the variant was observed to be de novo. It has also been observed to segregate with disease in related individuals. ClinVar contains an entry for this variant (Variation ID: 68303). Invitae Evidence Modeling of protein sequence and biophysical properties (such as structural, functional, and spatial information, amino acid conservation, physicochemical variation, residue mobility, and thermodynamic stability) indicates that this missense variant is expected to disrupt NF1 protein function with a positive predictive value of 95%. For these reasons, this variant has been classified as Pathogenic.

Blueprint Genetics
Classification: Likely pathogenic for NF1-related disorders. Last evaluated: 2024-02-12. Review status: criteria provided, single submitter. Criteria: ACMG Guidelines, 2015. Collection method: clinical testing. Allele origin: germline. Affected: yes. Observed: 1 variant allele.

Genome-Nilou Lab
Classification: Likely pathogenic for Neurofibromatosis, type 1. Last evaluated: 2022-03-15. Review status: criteria provided, single submitter. Criteria: ACMG Guidelines, 2015. Collection method: clinical testing. Allele origin: germline. Affected: no.

Clinical Genetics Service, Universitary Hospital 12 de Octubre
Classification: Pathogenic for Neurofibromatosis, type 1. Review status: criteria provided, single submitter. Criteria: ACMG Guidelines, 2015. Collection method: clinical testing. Allele origin: germline. Affected: yes.

UniProtKB/Swiss-Prot
No classification provided. Review status: no classification provided. Collection method: not provided. Allele origin: not provided. Not counted in ClinVar's aggregate classification.

Literature cited by the submitters: PubMed 10712197 (cited by Labcorp Genetics (formerly Invitae), Labcorp); PubMed 21520333 (cited by Labcorp Genetics (formerly Invitae), Labcorp).